The following is an entry in ClinVar:

ClinVar aggregate classification (germline): Benign/Likely benign. Review status: criteria provided, multiple submitters, no conflicts (2 of 4 stars). 7 submissions from 7 submitters: Benign (3); Likely benign (4). Last evaluated 2026-06-01.

Conditions:
Collagen 6-related myopathy. Identifiers: MedGen CN117976, MONDO:0100225.
Bethlem myopathy 1A. Also called: MYOPATHY, BENIGN CONGENITAL, WITH CONTRACTURES; Bethlem myopathy 1; Bethlem Muscular Dystrophy. Identifiers: Orphanet 610, MedGen CN029274, MONDO:0024530, OMIM 158810.

Allele frequency attached by ClinVar (database versions not stated): 1000 Genomes Project 0.00359; TOPMed 0.00368; gnomAD 0.00369 and 0.00392; 1000 Genomes Project 30x 0.00375; ESP Exome Variant Server 0.00377.
gnomAD v4.1: 1,030 of 1,614,222 alleles (0.064%); highest among the groups gnomAD compares: African/African-American, 1.2%; 6 homozygotes.

Submissions (7):

CeGaT Center for Human Genetics Tuebingen
Classification: Likely benign. Last evaluated: 2026-06-01. Review status: criteria provided, single submitter. Criteria: CeGaT Center For Human Genetics Tuebingen Variant Classification Criteria Version 2. Collection method: clinical testing. Allele origin: germline. Affected: yes. Observed: 3 variant alleles.
Comment: COL6A3: BP4, BP7, BS1

Labcorp Genetics (formerly Invitae), Labcorp
Classification: Benign for Bethlem myopathy 1A. Last evaluated: 2026-01-20. Review status: criteria provided, single submitter. Criteria: Invitae Variant Classification Sherloc (09022015). Collection method: clinical testing. Allele origin: germline.

Blueprint Genetics
Classification: Likely benign. Last evaluated: 2024-10-15. Review status: criteria provided, single submitter. Criteria: ACMG Guidelines, 2015. Collection method: clinical testing. Allele origin: germline.

GeneDx
Classification: Likely benign. Last evaluated: 2020-07-14. Review status: criteria provided, single submitter. Criteria: GeneDx Variant Classification Process June 2021. Collection method: clinical testing. Allele origin: germline. Affected: yes.

Illumina Laboratory Services, Illumina
Classification: Benign for Collagen VI-related myopathy. Last evaluated: 2018-01-13. Review status: criteria provided, single submitter. Criteria: ICSL Variant Classification Criteria 13 December 2019. Collection method: clinical testing. Allele origin: germline.
Comment: This variant was observed in the ICSL laboratory as part of a predisposition screen in an ostensibly healthy population. It had not been previously curated by ICSL or reported in the Human Gene Mutation Database (HGMD: prior to June 1st, 2018), and was therefore a candidate for classification through an automated scoring system. Utilizing variant allele frequency, disease prevalence and penetrance estimates, and inheritance mode, an automated score was calculated to assess if this variant is too frequent to cause the disease. Based on the score and internal cut-off values, a variant classified as benign is not then subjected to further curation. The score for this variant resulted in a classification of benign for this disease.

Eurofins Ntd Llc (ga)
Classification: Benign. Last evaluated: 2012-07-17. Review status: criteria provided, single submitter. Criteria: EGL Classification Definitions 2015. Collection method: clinical testing. Allele origin: germline. Observed: 2 variant alleles, 2 heterozygotes.

Breakthrough Genomics
Classification: Likely benign. Review status: criteria provided, single submitter. Criteria: ACMG Guidelines, 2015. Collection method: not provided. Allele origin: germline. Inheritance: Autosomal recessive inheritance. Affected: yes.

NM_004369.4(COL6A3):c.4683G>A (p.Gln1561=)

Gene: COL6A3 (collagen type VI alpha 3 chain; minus strand). Cytogenetic location: 2q37.3.
Variant type: single nucleotide variant.
Coding change: c.4683G>A on transcript NM_004369.4 (MANE Select); coding-DNA position 4683, G replaced by A.
Protein change: p.Gln1561=; no amino-acid change (glutamine 1561 retained).
Molecular consequence: synonymous variant.
Genome position (GRCh38, 1-based): chr2:237,368,780, C>T on the plus strand (G>A on the coding strand, the complement: COL6A3 is on the minus strand). VCF-style: chr2-237368780-C-T. GRCh37 (hg19) VCF-style: chr2-238277423-C-T.
Other names: c.2862G>A, p.Gln954= (NM_057166.5); c.4065G>A, p.Gln1355= (NM_057167.4).
Identifiers: ClinVar variation 94937 (VCV000094937.32), dbSNP rs113074898, ClinGen allele CA147971.